The following is an entry in ClinVar:

ClinVar aggregate classification (germline): Uncertain significance (1 of 4 stars; one submission).

Allele frequency attached by ClinVar (database versions not stated): ExAC 0.00002.
gnomAD v4.1: 8 of 1,614,116 alleles (0.0005%); highest among the groups gnomAD compares: South Asian, 0.0055%; no homozygotes.

Submission:

Labcorp Genetics (formerly Invitae), Labcorp
Classification: Uncertain significance. Last evaluated: 2023-11-20. Review status: criteria provided, single submitter. Criteria: Invitae Variant Classification Sherloc (09022015). Collection method: clinical testing. Allele origin: germline.
Comment: This sequence change replaces tyrosine, which is neutral and polar, with histidine, which is basic and polar, at codon 4110 of the USH2A protein (p.Tyr4110His). This variant is present in population databases (rs531504195, gnomAD 0.01%), including at least one homozygous and/or hemizygous individual. This variant has not been reported in the literature in individuals affected with USH2A-related conditions. Advanced modeling of protein sequence and biophysical properties (such as structural, functional, and spatial information, amino acid conservation, physicochemical variation, residue mobility, and thermodynamic stability) has been performed at Invitae for this missense variant, however the output from this modeling did not meet the statistical confidence thresholds required to predict the impact of this variant on USH2A protein function. In summary, the available evidence is currently insufficient to determine the role of this variant in disease. Therefore, it has been classified as a Variant of Uncertain Significance.

NM_206933.4(USH2A):c.12328T>C (p.Tyr4110His)

Gene: USH2A (usherin; minus strand). Cytogenetic location: 1q41.
Variant type: single nucleotide variant.
Coding change: c.12328T>C on transcript NM_206933.4 (MANE Select); coding-DNA position 12328, T replaced by C.
Protein change: p.Tyr4110His; replaces tyrosine 4110 with histidine.
Molecular consequence: missense variant.
Genome position (GRCh38, 1-based): chr1:215,675,583, A>G on the plus strand (T>C on the coding strand, the complement: USH2A is on the minus strand). VCF-style: chr1-215675583-A-G. GRCh37 (hg19) VCF-style: chr1-215848925-A-G.
Other names: short protein forms Y4110H.
Identifiers: ClinVar variation 3018363 (VCV003018363.3), dbSNP rs531504195, ClinGen allele CA1393490.